The following is an entry in ClinVar:

NM_001035.3(RYR2):c.9575G>A (p.Arg3192Lys)

Gene: RYR2 (ryanodine receptor 2; plus strand). Cytogenetic location: 1q43.
Variant type: single nucleotide variant.
Coding change: c.9575G>A on transcript NM_001035.3 (MANE Select); coding-DNA position 9575, G replaced by A.
Protein change: p.Arg3192Lys; replaces arginine 3192 with lysine.
Molecular consequence: missense variant.
Genome position (GRCh38, 1-based): chr1:237,705,338, G>A. VCF-style: chr1-237705338-G-A. GRCh37 (hg19) VCF-style: chr1-237868638-G-A.
Other names: short protein forms R3192K.
Identifiers: ClinVar variation 4825550 (VCV004825550.1).

ClinVar aggregate classification (germline): Uncertain significance (1 of 4 stars; one submission).

Conditions:
Cardiovascular phenotype. Identifiers: MedGen CN230736.

gnomAD v4.1: 2 of 1,603,936 alleles (0.00012%); highest among the groups gnomAD compares: African/African-American, 0.0013%; no homozygotes.

Submission:

Ambry Genetics
Classification: Uncertain significance for Cardiovascular phenotype. Last evaluated: 2026-02-19. Review status: criteria provided, single submitter. Criteria: Ambry Variant Classification Scheme 2023. Collection method: clinical testing. Allele origin: germline.
Comment: The p.R3192K variant (also known as c.9575G>A), located in coding exon 67 of the RYR2 gene, results from a G to A substitution at nucleotide position 9575. The arginine at codon 3192 is replaced by lysine, an amino acid with highly similar properties. This amino acid position is conserved. In addition, the in silico prediction for this alteration is inconclusive. Based on the available evidence, the clinical significance of this variant remains unclear.